The following is an entry in ClinVar:

ClinVar aggregate classification (germline): Likely pathogenic (0 of 4 stars; one submission).

Conditions:
ALMS1-related disorder. Also called: ALMS1-related condition.

Submission:

PreventionGenetics, part of Exact Sciences
Classification: Likely pathogenic for ALMS1-related condition. Last evaluated: 2024-04-18. Review status: no assertion criteria provided. Collection method: clinical testing. Allele origin: germline.
Comment: The ALMS1 c.7571_7584del14 variant is predicted to result in a frameshift and premature protein termination (p.Cys2524Phefs*5). To our knowledge, this variant has not been reported in the literature or in a large population database, indicating this variant is rare. Frameshift variants in ALMS1 are expected to be pathogenic. This variant is interpreted as likely pathogenic.

NM_001378454.1(ALMS1):c.7568_7581del (p.His2523fs)

Gene: ALMS1 (ALMS1 centrosome and basal body associated protein; plus strand). Cytogenetic location: 2p13.1.
Variant type: Deletion.
Coding change: c.7568_7581del on transcript NM_001378454.1 (MANE Select); coding-DNA positions 7568 to 7581, 14 bases deleted (ATGATTGTGGATAC).
Protein change: p.His2523fs; shifts the reading frame from histidine 2523.
Molecular consequence: frameshift variant.
Genome position (GRCh38, 1-based): chr2:73,455,189-73,455,202, ATGATTGTGGATAC deleted; deleting any 14 consecutive bases within chr2:73,455,187-73,455,202 gives the same sequence; the c. name uses the placement nearest the transcript's 3' end. VCF-style (leftmost placement, unchanged base first): chr2-73455186-CACATGATTGTGGAT-C. GRCh37 (hg19) VCF-style: chr2-73682313-CACATGATTGTGGAT-C.
Other names: c.7571_7584del, p.His2524fs (NM_015120.4); c.7571_7584del14 (NM_015120.4); short protein forms H2523fs, H2524fs.
Identifiers: ClinVar variation 3344115 (VCV003344115.1).